The following is an entry in ClinVar:

ClinVar aggregate classification (germline): Benign/Likely benign. Review status: criteria provided, multiple submitters, no conflicts (2 of 4 stars). 5 submissions from 5 submitters: Benign (2); Likely benign (1). 2 of the submissions do not count toward it. Last evaluated 2026-01-25.

Allele frequency attached by ClinVar (database versions not stated): ESP Exome Variant Server 0.00094; gnomAD 0.00114 and 0.00115; TOPMed 0.00118; gnomAD exomes 0.00158 and 0.00161; ExAC 0.00220.

Submissions (5):

Labcorp Genetics (formerly Invitae), Labcorp
Classification: Benign. Last evaluated: 2026-01-25. Review status: criteria provided, single submitter. Criteria: Invitae Variant Classification Sherloc (09022015). Collection method: clinical testing. Allele origin: germline.

Blueprint Genetics
Classification: Likely benign. Last evaluated: 2024-11-11. Review status: criteria provided, single submitter. Criteria: ACMG Guidelines, 2015. Collection method: clinical testing. Allele origin: germline.

Mayo Clinic Laboratories, Mayo Clinic
Classification: Benign. Last evaluated: 2024-10-31. Review status: criteria provided, single submitter. Criteria: ACMG Guidelines, 2015. Collection method: clinical testing. Allele origin: germline. Observed: 3 variant alleles.
Comment: BA1, BP4, BP7

Clinical Genetics, Academic Medical Center
Classification: Likely benign. Review status: no assertion criteria provided. Collection method: clinical testing. Allele origin: germline. Affected: yes. Study: VKGL Data-share Consensus. Not counted in ClinVar's aggregate classification.

Genome Diagnostics Laboratory, University Medical Center Utrecht
Classification: Benign. Review status: no assertion criteria provided. Collection method: clinical testing. Allele origin: germline. Affected: yes. Study: VKGL Data-share Consensus. Not counted in ClinVar's aggregate classification.

NM_000285.4(PEPD):c.967+20G>C

Gene: PEPD (peptidase D; minus strand). Cytogenetic location: 19q13.11.
Variant type: single nucleotide variant.
Coding change: c.967+20G>C on transcript NM_000285.4 (MANE Select); 20 bases into the intron after coding-DNA position 967, G replaced by C.
Molecular consequence: intron variant.
Genome position (GRCh38, 1-based): chr19:33,401,701, C>G on the plus strand (G>C on the coding strand, the complement: PEPD is on the minus strand). VCF-style: chr19-33401701-C-G. GRCh37 (hg19) VCF-style: chr19-33892607-C-G.
Other names: p.?; c.775+20G>C (NM_001166057.2); c.844+20G>C (NM_001166056.2).
Identifiers: ClinVar variation 1169393 (VCV001169393.13), dbSNP rs376640051, ClinGen allele CA9364058.